The following is an entry in ClinVar:

ClinVar aggregate classification (germline): Uncertain significance (1 of 4 stars; one submission).

Submission:

CeGaT Center for Human Genetics Tuebingen
Classification: Uncertain significance. Last evaluated: 2022-09-01. Review status: criteria provided, single submitter. Criteria: CeGaT Center For Human Genetics Tuebingen Variant Classification Criteria Version 2. Collection method: clinical testing. Allele origin: germline. Affected: yes. Observed: 1 variant allele.
Comment: MYCN: PM2

NM_005378.6(MYCN):c.35T>G (p.Met12Arg)

Genes: MYCN (MYCN proto-oncogene, bHLH transcription factor; plus strand), MYCNOS (MYCN opposite strand; minus strand). Cytogenetic location: 2p24.3.
Variant type: single nucleotide variant.
Coding change: c.35T>G on transcript NM_005378.6 (MANE Select); coding-DNA position 35, T replaced by G.
Protein change: p.Met12Arg; replaces methionine 12 with arginine.
Molecular consequence: missense variant. On other transcripts: intron variant (1).
Genome position (GRCh38, 1-based): chr2:15,942,099, T>G. VCF-style: chr2-15942099-T-G. GRCh37 (hg19) VCF-style: chr2-16082221-T-G.
Other names: c.35T>G, p.Met12Arg (NM_001293228.2); c.309T>G, p.His103Gln (NM_001293233.2); c.157+1356T>G (NM_001293231.2); short protein forms H103Q, M12R.
Identifiers: ClinVar variation 2650693 (VCV002650693.24), dbSNP rs776147637, ClinGen allele CA345930003.
Genomic context (GRCh38, chr2:15,942,099, plus strand): 5'-TCAGTCGCCGGCCGGGAGGCGAGCCGATGCCGAGCTGCTCCACGTCCACCATGCCGGGCA[T>G]GATCTGCAAGAACCCAGACCTCGAGTTTGACTCGCTACAGCCCTGCTTCTACCCGGACGA-3'
Protein context (NP_005369.2, residues 2-22): PSCSTSTMPG[Met12Arg]ICKNPDLEFD